The following is an entry in ClinVar:

ClinVar aggregate classification (germline): Likely benign. Review status: criteria provided, multiple submitters, no conflicts (2 of 4 stars). 2 submissions from 2 submitters: Likely benign (2). Last evaluated 2025-01-22.

Conditions:
IFT74-related disorder. Also called: IFT74-related condition; IFT74-Related Disorders.

Allele frequency attached by ClinVar (database versions not stated): gnomAD exomes below 0.00001; TOPMed below 0.00001.
gnomAD v4.1: 2 of 1,608,134 alleles (0.00012%); highest among the groups gnomAD compares: Non-Finnish European, 0.00017%; no homozygotes.

Submissions (2):

PreventionGenetics, part of Exact Sciences
Classification: Likely benign for IFT74-related condition. Last evaluated: 2025-01-22. Review status: criteria provided, single submitter. Criteria: ACMG Guidelines, 2015. Collection method: clinical testing. Allele origin: germline.
Comment: This variant is classified as likely benign based on ACMG/AMP sequence variant interpretation guidelines (Richards et al. 2015 PMID: 25741868, with internal and published modifications).

Labcorp Genetics (formerly Invitae), Labcorp
Classification: Likely benign. Last evaluated: 2023-12-19. Review status: criteria provided, single submitter. Criteria: Invitae Variant Classification Sherloc (09022015). Collection method: clinical testing. Allele origin: germline.

NM_025103.4(IFT74):c.147T>C (p.Gly49=)

Gene: IFT74 (intraflagellar transport 74; plus strand). Cytogenetic location: 9p21.2.
Variant type: single nucleotide variant.
Coding change: c.147T>C on transcript NM_025103.4 (MANE Select); coding-DNA position 147, T replaced by C.
Protein change: p.Gly49=; no amino-acid change (glycine 49 retained).
Molecular consequence: synonymous variant.
Genome position (GRCh38, 1-based): chr9:26,978,154, T>C. VCF-style: chr9-26978154-T-C. GRCh37 (hg19) VCF-style: chr9-26978152-T-C.
Other names: c.147T>C, p.Gly49= (NM_001099222.3, NM_001099223.3, NM_001099224.3 and 1 more transcripts); c.147T>C (NM_025103.2).
Identifiers: ClinVar variation 2972957 (VCV002972957.4), dbSNP rs1827204873, ClinGen allele CA464166157.